The following is an entry in ClinVar:

ClinVar aggregate classification (germline): Uncertain significance. Review status: criteria provided, multiple submitters, no conflicts (2 of 4 stars). 2 submissions from 2 submitters: Uncertain significance (2). Last evaluated 2022-03-19.

Conditions:
POLD1-related polyposis and colorectal cancer syndrome (CRCS10). Also called: Colorectal cancer 10; COLORECTAL CANCER, SUSCEPTIBILITY TO, ON CHROMOSOME 19q; Colorectal cancer, susceptibility to, 10. Identifiers: Orphanet 220460, MedGen C2675481, MONDO:0012953, OMIM 612591.
Hereditary cancer-predisposing syndrome. Also called: Neoplastic Syndromes, Hereditary; Tumor predisposition; Hereditary Cancer Syndrome; Hereditary neoplastic syndrome. Identifiers: Orphanet 140162, MedGen C0027672, MeSH D009386, MONDO:0015356.

Submissions (2):

Labcorp Genetics (formerly Invitae), Labcorp
Classification: Uncertain significance for POLD1-related polyposis and colorectal cancer syndrome. Last evaluated: 2022-03-19. Review status: criteria provided, single submitter. Criteria: Invitae Variant Classification Sherloc (09022015). Collection method: clinical testing. Allele origin: germline.
Comment: Algorithms developed to predict the effect of missense changes on protein structure and function are either unavailable or do not agree on the potential impact of this missense change (SIFT: "Tolerated"; PolyPhen-2: "Possibly Damaging"; Align-GVGD: "Class C0"). In summary, the available evidence is currently insufficient to determine the role of this variant in disease. Therefore, it has been classified as a Variant of Uncertain Significance. This variant has not been reported in the literature in individuals affected with POLD1-related conditions. This variant is not present in population databases (gnomAD no frequency). This sequence change replaces glycine, which is neutral and non-polar, with glutamic acid, which is acidic and polar, at codon 178 of the POLD1 protein (p.Gly178Glu).

Ambry Genetics
Classification: Uncertain significance for Hereditary cancer-predisposing syndrome. Last evaluated: 2021-08-15. Review status: criteria provided, single submitter. Criteria: Ambry Variant Classification Scheme 2023. Collection method: clinical testing. Allele origin: germline.
Comment: The p.G178E variant (also known as c.533G>A), located in coding exon 4 of the POLD1 gene, results from a G to A substitution at nucleotide position 533. The glycine at codon 178 is replaced by glutamic acid, an amino acid with similar properties. This amino acid position is conserved. In addition, this alteration is predicted to be tolerated by in silico analysis. Since supporting evidence is limited at this time, the clinical significance of this alteration remains unclear.

NM_002691.4(POLD1):c.533G>A (p.Gly178Glu)

Gene: POLD1 (DNA polymerase delta 1, catalytic subunit; plus strand). Cytogenetic location: 19q13.33.
Variant type: single nucleotide variant.
Coding change: c.533G>A on transcript NM_002691.4 (MANE Select); coding-DNA position 533, G replaced by A.
Protein change: p.Gly178Glu; replaces glycine 178 with glutamic acid.
Molecular consequence: missense variant. On other transcripts: non-coding transcript variant (1).
Genome position (GRCh38, 1-based): chr19:50,402,068, G>A. VCF-style: chr19-50402068-G-A. GRCh37 (hg19) VCF-style: chr19-50905325-G-A.
Other names: c.533G>A, p.Gly178Glu (NM_001256849.1, NM_001308632.1); short protein forms G178E.
Identifiers: ClinVar variation 1521198 (VCV001521198.10), dbSNP rs2038662890, ClinGen allele CA406973204.